The following is an entry in ClinVar:

NM_005378.6(MYCN):c.200T>C (p.Phe67Ser)

Genes: MYCN (MYCN proto-oncogene, bHLH transcription factor; plus strand), MYCNOS (MYCN opposite strand; minus strand). Cytogenetic location: 2p24.3.
Variant type: single nucleotide variant.
Coding change: c.200T>C on transcript NM_005378.6 (MANE Select); coding-DNA position 200, T replaced by C.
Protein change: p.Phe67Ser; replaces phenylalanine 67 with serine.
Molecular consequence: missense variant. On other transcripts: non-coding transcript variant (1), 3 prime UTR variant (1), intron variant (1).
Genome position (GRCh38, 1-based): chr2:15,942,264, T>C. VCF-style: chr2-15942264-T-C. GRCh37 (hg19) VCF-style: chr2-16082386-T-C.
Other names: c.200T>C, p.Phe67Ser (NM_001293228.2); c.*135T>C (NM_001293233.2); c.157+1521T>C (NM_001293231.2); short protein forms F67S.
Identifiers: ClinVar variation 1977953 (VCV001977953.5), dbSNP rs2103324166, ClinGen allele CA345930373.

ClinVar aggregate classification (germline): Uncertain significance (1 of 4 stars; one submission).

Submission:

Labcorp Genetics (formerly Invitae), Labcorp
Classification: Uncertain significance. Last evaluated: 2025-04-17. Review status: criteria provided, single submitter. Criteria: Invitae Variant Classification Sherloc (09022015). Collection method: clinical testing. Allele origin: germline.
Comment: This sequence change replaces phenylalanine, which is neutral and non-polar, with serine, which is neutral and polar, at codon 67 of the MYCN protein (p.Phe67Ser). This variant is not present in population databases (gnomAD no frequency). This variant has not been reported in the literature in individuals affected with MYCN-related conditions. ClinVar contains an entry for this variant (Variation ID: 1977953). Invitae Evidence Modeling of protein sequence and biophysical properties (such as structural, functional, and spatial information, amino acid conservation, physicochemical variation, residue mobility, and thermodynamic stability) indicates that this missense variant is not expected to disrupt MYCN protein function with a negative predictive value of 95%. In summary, the available evidence is currently insufficient to determine the role of this variant in disease. Therefore, it has been classified as a Variant of Uncertain Significance.